The following is an entry in ClinVar:

NM_024580.6(EFL1):c.1511C>A (p.Ser504Tyr)

Gene: EFL1 (elongation factor like GTPase 1; minus strand). Cytogenetic location: 15q25.2.
Variant type: single nucleotide variant.
Coding change: c.1511C>A on transcript NM_024580.6 (MANE Select); coding-DNA position 1511, C replaced by A.
Protein change: p.Ser504Tyr; replaces serine 504 with tyrosine.
Molecular consequence: missense variant. On other transcripts: non-coding transcript variant (1).
Genome position (GRCh38, 1-based): chr15:82,219,752, G>T on the plus strand (C>A on the coding strand, the complement: EFL1 is on the minus strand). VCF-style: chr15-82219752-G-T. GRCh37 (hg19) VCF-style: chr15-82512093-G-T.
Other names: c.1358C>A, p.Ser453Tyr (NM_001040610.3); c.722C>A, p.Ser241Tyr (NM_001322844.2); c.1511C>A, p.Ser504Tyr (NM_001322845.2); short protein forms S504Y, S241Y, S453Y.
Identifiers: ClinVar variation 4979311 (VCV004979311.1).

ClinVar aggregate classification (germline): Uncertain significance (1 of 4 stars; one submission).

Conditions:
EFL1-related disorder. Also called: EFL1-related condition.

gnomAD v4.1: 23 of 1,613,878 alleles (0.0014%); highest among the groups gnomAD compares: African/African-American, 0.024%; no homozygotes.

Submission:

PreventionGenetics, part of Exact Sciences
Classification: Uncertain significance for EFL1-related condition. Last evaluated: 2026-08-01. Review status: criteria provided, single submitter. Criteria: ACMG Guidelines, 2015. Collection method: clinical testing. Allele origin: germline.
Comment: The EFL1 c.1511C>A variant is predicted to result in the amino acid substitution p.Ser504Tyr. To our knowledge, this variant has not been reported in the literature. This variant is reported in 0.017% of alleles in individuals of African descent in gnomAD. At this time, the clinical significance of this variant is uncertain due to the absence of conclusive functional and genetic evidence.